The following is an entry in ClinVar:

ClinVar aggregate classification (germline): Uncertain significance. Review status: criteria provided, multiple submitters, no conflicts (2 of 4 stars). 2 submissions from 2 submitters: Uncertain significance (2). Last evaluated 2025-12-03.

Conditions:
Inborn genetic diseases. Identifiers: MedGen C0950123, MeSH D030342.

gnomAD v4.1: 5 of 1,613,800 alleles (0.00031%); highest among the groups gnomAD compares: African/African-American, 0.0067%; no homozygotes.

Submissions (2):

Ambry Genetics
Classification: Uncertain significance for Inborn genetic diseases. Last evaluated: 2025-12-03. Review status: criteria provided, single submitter. Criteria: Ambry Variant Classification Scheme 2023. Collection method: clinical testing. Allele origin: germline.

GeneDx
Classification: Uncertain significance. Last evaluated: 2025-03-14. Review status: criteria provided, single submitter. Criteria: GeneDx Variant Classification Process June 2021. Collection method: clinical testing. Allele origin: germline. Affected: yes.
Comment: Not observed at significant frequency in large population cohorts (gnomAD); In silico analysis supports that this missense variant has a deleterious effect on protein structure/function; Has not been previously published as pathogenic or benign to our knowledge

NM_004999.4(MYO6):c.691G>A (p.Glu231Lys)

Gene: MYO6 (myosin VI; plus strand). Cytogenetic location: 6q14.1.
Variant type: single nucleotide variant.
Coding change: c.691G>A on transcript NM_004999.4 (MANE Select); coding-DNA position 691, G replaced by A.
Protein change: p.Glu231Lys; replaces glutamic acid 231 with lysine.
Molecular consequence: missense variant. On other transcripts: non-coding transcript variant (2).
Genome position (GRCh38, 1-based): chr6:75,841,253, G>A. VCF-style: chr6-75841253-G-A. GRCh37 (hg19) VCF-style: chr6-76550970-G-A.
Other names: c.691G>A, p.Glu231Lys (NM_001300899.2, NM_001368136.1, NM_001368137.1 and 4 more transcripts); c.676G>A, p.Glu226Lys (NM_001368138.1); short protein forms E226K, E231K.
Identifiers: ClinVar variation 4083403 (VCV004083403.2).
Genomic context (GRCh38, chr6:75,841,253, plus strand): 5'-TCTCTGTGTTTTGTTTTTTAGAGCTCAGTTGTTGGAGGATTTGTTTCACATTATCTCCTA[G>A]AGAAATCTAGGATCTGTGTTCAAGGCAAAGAGGAAAGAAATTATCATATCTTTTATAGGT-3'
Protein context (NP_004990.3, residues 221-241): VGGFVSHYLL[Glu231Lys]KSRICVQGKE